The following is an entry in ClinVar:

ClinVar aggregate classification (germline): Uncertain significance (1 of 4 stars; one submission).

Allele frequency attached by ClinVar (database versions not stated): TOPMed below 0.00001; gnomAD 0.00001; gnomAD exomes 0.00002.
gnomAD v4.1: 33 of 1,612,326 alleles (0.002%); highest among the groups gnomAD compares: African/African-American, 0.0027%; no homozygotes.

Submission:

Labcorp Genetics (formerly Invitae), Labcorp
Classification: Uncertain significance. Last evaluated: 2024-08-28. Review status: criteria provided, single submitter. Criteria: Invitae Variant Classification Sherloc (09022015). Collection method: clinical testing. Allele origin: germline.
Comment: This sequence change replaces proline, which is neutral and non-polar, with serine, which is neutral and polar, at codon 41 of the SNIP1 protein (p.Pro41Ser). This variant is not present in population databases (gnomAD no frequency). This variant has not been reported in the literature in individuals affected with SNIP1-related conditions. ClinVar contains an entry for this variant (Variation ID: 2078485). An algorithm developed to predict the effect of missense changes on protein structure and function (PolyPhen-2) suggests that this variant is likely to be tolerated. In summary, the available evidence is currently insufficient to determine the role of this variant in disease. Therefore, it has been classified as a Variant of Uncertain Significance.

NM_024700.4(SNIP1):c.121C>T (p.Pro41Ser)

Gene: SNIP1 (Smad nuclear interacting protein 1; minus strand). Cytogenetic location: 1p34.3.
Variant type: single nucleotide variant.
Coding change: c.121C>T on transcript NM_024700.4 (MANE Select); coding-DNA position 121, C replaced by T.
Protein change: p.Pro41Ser; replaces proline 41 with serine.
Molecular consequence: missense variant.
Genome position (GRCh38, 1-based): chr1:37,554,109, G>A on the plus strand (C>T on the coding strand, the complement: SNIP1 is on the minus strand). VCF-style: chr1-37554109-G-A. GRCh37 (hg19) VCF-style: chr1-38019710-G-A.
Other names: short protein forms P41S.
Identifiers: ClinVar variation 2078485 (VCV002078485.4), dbSNP rs1050240331, ClinGen allele CA20795111.